The following is an entry in ClinVar:

ClinVar aggregate classification (germline): Uncertain significance (1 of 4 stars; one submission).

Conditions:
Spinocerebellar ataxia type 1 (SCA1). Also called: MENZEL TYPE OPCA; SCHUT-HAYMAKER TYPE OPCA; SPINOCEREBELLAR ATROPHY I; CEREBELLOPARENCHYMAL DISORDER I; OLIVOPONTOCEREBELLAR ATROPHY I; OLIVOPONTOCEREBELLAR ATROPHY IV. Identifiers: Orphanet 98755, MedGen C0752120, MONDO:0008119, OMIM 164400.

gnomAD v4.1: 1 of 1,614,198 alleles (0.000062%); highest among the groups gnomAD compares: Non-Finnish European, 0.000085%; no homozygotes.

Submission:

Centre for Mendelian Genomics, University Medical Centre Ljubljana
Classification: Uncertain significance for Spinocerebellar ataxia type 1. Last evaluated: 2019-08-13. Review status: criteria provided, single submitter. Criteria: ACMG Guidelines, 2015. Collection method: clinical testing. Allele origin: unknown. Affected: yes.
Comment: This variant was classified as: Uncertain significance. The available evidence on this variant's pathogenicity is insufficient or conflicting. The following ACMG criteria were applied in classifying this variant: PM2,PP3.

NM_001128164.2(ATXN1):c.1804G>T (p.Ala602Ser)

Gene: ATXN1 (ataxin 1; minus strand). Cytogenetic location: 6p22.3.
Variant type: single nucleotide variant.
Coding change: c.1804G>T on transcript NM_001128164.2 (MANE Select); coding-DNA position 1804, G replaced by T.
Protein change: p.Ala602Ser; replaces alanine 602 with serine.
Molecular consequence: missense variant. On other transcripts: 3 prime UTR variant (1).
Genome position (GRCh38, 1-based): chr6:16,326,507, C>A on the plus strand (G>T on the coding strand, the complement: ATXN1 is on the minus strand). VCF-style: chr6-16326507-C-A. GRCh37 (hg19) VCF-style: chr6-16326738-C-A.
Other names: c.1804G>T, p.Ala602Ser (NM_000332.4); c.*1217G>T (NM_001357857.2); short protein forms A602S.
Identifiers: ClinVar variation 932128 (VCV000932128.4), dbSNP rs1760808820, ClinGen allele CA362808746.
Genomic context (GRCh38, chr6:16,326,507, plus strand): 5'-GGCTGTCTTCAATCCTCTCTACGGTGCTGGAGTCGATCTTCAGGTCGTTGCTTATCTCTG[C>A]ACTCTGGATGAAATCTTCTGTTTTTAAGTCTTCCACCTTCTTTAGCTCCCCGTTGGCCAA-3'
Protein context (NP_001121636.1, residues 592-612): DLKTEDFIQS[Ala602Ser]EISNDLKIDS